The following is an entry in ClinVar:

ClinVar aggregate classification (germline): Benign/Likely benign. Review status: criteria provided, multiple submitters, no conflicts (2 of 4 stars). 6 submissions from 6 submitters: Benign (3); Likely benign (2). 1 of the submissions does not count toward it. Last evaluated 2026-01-25.

Conditions:
MTR-related disorder. Also called: MTR-related condition.
Disorders of Intracellular Cobalamin Metabolism. Identifiers: MedGen CN043592.
Methylcobalamin deficiency type cblG (HMAG). Also called: HOMOCYSTINURIA-MEGALOBLASTIC ANEMIA, cblG TYPE; HOMOCYSTINURIA-MEGALOBLASTIC ANEMIA DUE TO DEFECT IN COBALAMIN METABOLISM, cblG COMPLEMENTATION TYPE; HOMOCYSTINURIA-MEGALOBLASTIC ANEMIA, cblG COMPLEMENTATION TYPE; Functional methionine synthase deficiency type cblG. Identifiers: Orphanet 2170, Orphanet 622, MedGen C1855128, MONDO:0009609, OMIM 250940.

Allele frequency attached by ClinVar (database versions not stated): gnomAD 0.00401; TOPMed 0.00527; 1000 Genomes Project 0.00539; 1000 Genomes Project 30x 0.00609; ESP Exome Variant Server 0.00646.
gnomAD v4.1: 1,349 of 1,614,162 alleles (0.084%); highest among the groups gnomAD compares: African/African-American, 1.6%; 19 homozygotes.

Submissions (6):

Labcorp Genetics (formerly Invitae), Labcorp
Classification: Benign for Methylcobalamin deficiency type cblG. Last evaluated: 2026-01-25. Review status: criteria provided, single submitter. Criteria: Invitae Variant Classification Sherloc (09022015). Collection method: clinical testing. Allele origin: germline.

ARUP Laboratories, Molecular Genetics and Genomics, ARUP Laboratories
Classification: Likely benign. Last evaluated: 2019-11-20. Review status: criteria provided, single submitter. Criteria: ARUP Molecular Germline Variant Investigation Process. Collection method: clinical testing. Allele origin: germline.

GeneDx
Classification: Benign. Last evaluated: 2018-05-18. Review status: criteria provided, single submitter. Criteria: GeneDx Variant Classification Process June 2021. Collection method: clinical testing. Allele origin: germline. Affected: yes.

Illumina Laboratory Services, Illumina
Classification: Benign for Disorders of Intracellular Cobalamin Metabolism. Last evaluated: 2018-01-12. Review status: criteria provided, single submitter. Criteria: ICSL Variant Classification Criteria 13 December 2019. Collection method: clinical testing. Allele origin: germline.
Comment: This variant was observed in the ICSL laboratory as part of a predisposition screen in an ostensibly healthy population. It had not been previously curated by ICSL or reported in the Human Gene Mutation Database (HGMD: prior to June 1st, 2018), and was therefore a candidate for classification through an automated scoring system. Utilizing variant allele frequency, disease prevalence and penetrance estimates, and inheritance mode, an automated score was calculated to assess if this variant is too frequent to cause the disease. Based on the score and internal cut-off values, a variant classified as benign is not then subjected to further curation. The score for this variant resulted in a classification of benign for this disease.

Breakthrough Genomics
Classification: Likely benign. Review status: criteria provided, single submitter. Criteria: ACMG Guidelines, 2015. Collection method: not provided. Allele origin: germline. Inheritance: Autosomal recessive inheritance. Affected: yes.

PreventionGenetics, part of Exact Sciences
Classification: Benign for MTR-related condition. Last evaluated: 2024-02-21. Review status: no assertion criteria provided. Collection method: clinical testing. Allele origin: germline. Not counted in ClinVar's aggregate classification.
Comment: This variant is classified as benign based on ACMG/AMP sequence variant interpretation guidelines (Richards et al. 2015 PMID: 25741868, with internal and published modifications).

NM_000254.3(MTR):c.2815G>C (p.Gly939Arg)

Gene: MTR (5-methyltetrahydrofolate-homocysteine methyltransferase; plus strand). Cytogenetic location: 1q43.
Variant type: single nucleotide variant.
Coding change: c.2815G>C on transcript NM_000254.3 (MANE Select); coding-DNA position 2815, G replaced by C.
Protein change: p.Gly939Arg; replaces glycine 939 with arginine.
Molecular consequence: missense variant.
Genome position (GRCh38, 1-based): chr1:236,886,331, G>C. VCF-style: chr1-236886331-G-C. GRCh37 (hg19) VCF-style: chr1-237049631-G-C.
Other names: c.2662G>C, p.Gly888Arg (NM_001291939.1); c.1594G>C, p.Gly532Arg (NM_001291940.2); short protein forms G939R, G888R, G532R.
Identifiers: ClinVar variation 296573 (VCV000296573.27), dbSNP rs113042166, ClinGen allele CA1474521.
Genomic context (GRCh38, chr1:236,886,331, plus strand): 5'-TTTTTCTTTGTTTTTTAACAGGAGAGGAGATACTTACCCTTAAGTCAAGCCAGAAAAAGT[G>C]GTTTCCAAATGGATTGGCTGTCTGAACCTCACCCAGGTCTGTTTGGCTATGGACTAGAGA-3'
Protein context (NP_000245.2, residues 929-949): YLPLSQARKS[Gly939Arg]FQMDWLSEPH